The following is an entry in ClinVar:

NM_000059.4(BRCA2):c.9502-436A>G

Gene: BRCA2 (BRCA2 DNA repair associated; plus strand). Cytogenetic location: 13q13.1.
Variant type: single nucleotide variant.
Coding change: c.9502-436A>G on transcript NM_000059.4 (MANE Select); 436 bases into the intron before coding-DNA position 9502, A replaced by G.
Molecular consequence: intron variant.
Genome position (GRCh38, 1-based): chr13:32,396,462, A>G. VCF-style: chr13-32396462-A-G. GRCh37 (hg19) VCF-style: chr13-32970599-A-G.
Other names: IVS 25-436A>G.
Identifiers: ClinVar variation 209918 (VCV000209918.1), dbSNP rs11147494, ClinGen allele CA276886.

ClinVar aggregate classification (germline): Benign (3 of 4 stars; one submission).

Conditions:
Breast-ovarian cancer, familial, susceptibility to, 2 (BROVCA2). Also called: BRCA2 Hereditary Breast and Ovarian Cancer. Identifiers: Orphanet 145, MedGen C2675520, MONDO:0012933, OMIM 612555. Disease mechanism: loss of function.

Allele frequency attached by ClinVar (database versions not stated): gnomAD 0.04026 and 0.03620; TOPMed 0.04151; 1000 Genomes Project 30x 0.07308; 1000 Genomes Project 0.07348.
gnomAD v4.1: 6,136 of 152,312 alleles (4%); highest among the groups gnomAD compares: South Asian, 11%; 209 homozygotes.

Submission:

Evidence-based Network for the Interpretation of Germline Mutant Alleles (ENIGMA)
Classification: Benign for Breast-ovarian cancer, familial 2. Last evaluated: 2015-01-12. Review status: reviewed by expert panel. Criteria: ENIGMA BRCA1/2 Classification Criteria (2015). Collection method: curation. Allele origin: germline.
Comment: Class 1 not pathogenic based on frequency >1% in an outbred sampleset. Frequency 0.1049 (Asian), 0.01423 (African), 0.03694 (European), derived from 1000 genomes (2012-04-30).